The following is an entry in ClinVar:

NM_006031.6(PCNT):c.8603C>T (p.Pro2868Leu)

Gene: PCNT (pericentrin; plus strand). Cytogenetic location: 21q22.3.
Variant type: single nucleotide variant.
Coding change: c.8603C>T on transcript NM_006031.6 (MANE Select); coding-DNA position 8603, C replaced by T.
Protein change: p.Pro2868Leu; replaces proline 2868 with leucine.
Molecular consequence: missense variant. On other transcripts: intron variant (1).
Genome position (GRCh38, 1-based): chr21:46,432,067, C>T. VCF-style: chr21-46432067-C-T. GRCh37 (hg19) VCF-style: chr21-47851981-C-T.
Other names: c.8160+89C>T (NM_001315529.2); short protein forms P2868L.
Identifiers: ClinVar variation 2470193 (VCV002470193.3), dbSNP rs200286890, ClinGen allele CA322017019.

ClinVar aggregate classification (germline): Uncertain significance. Review status: criteria provided, single submitter (1 of 4 stars). 2 submissions from 2 submitters: Uncertain significance (1). 1 of the submissions does not count toward it. Last evaluated 2023-01-10.

Conditions:
PCNT-related disorder. Also called: PCNT-related condition.
Inborn genetic diseases. Identifiers: MedGen C0950123, MeSH D030342.

Allele frequency attached by ClinVar (database versions not stated): gnomAD 0.00001; TOPMed 0.00001; gnomAD exomes 0.00002; 1000 Genomes Project 30x 0.00016; 1000 Genomes Project 0.00020.
gnomAD v4.1: 24 of 1,614,046 alleles (0.0015%); highest among the groups gnomAD compares: Non-Finnish European, 0.0018%; no homozygotes.

Submissions (2):

Ambry Genetics
Classification: Uncertain significance for Inborn genetic diseases. Last evaluated: 2023-01-10. Review status: criteria provided, single submitter. Criteria: Ambry Variant Classification Scheme 2023. Collection method: clinical testing. Allele origin: germline.

PreventionGenetics, part of Exact Sciences
Classification: Uncertain significance for PCNT-related condition. Last evaluated: 2024-09-17. Review status: no assertion criteria provided. Collection method: clinical testing. Allele origin: germline. Not counted in ClinVar's aggregate classification.
Comment: The PCNT c.8603C>T variant is predicted to result in the amino acid substitution p.Pro2868Leu. To our knowledge, this variant has not been reported in the literature. This variant is reported in 0.0018% of alleles in individuals of European (Non-Finnish) descent in gnomAD. At this time, the clinical significance of this variant is uncertain due to the absence of conclusive functional and genetic evidence.